The following is an entry in ClinVar:

ClinVar aggregate classification (germline): Uncertain significance (1 of 4 stars; one submission).

Conditions:
Glycine encephalopathy. Also called: Nonketotic hyperglycinemia; Non-ketotic hyperglycinemia. Identifiers: Orphanet 407, MedGen C0751748, MONDO:0011612, HP:0008288.

Allele frequency attached by ClinVar (database versions not stated): TOPMed below 0.00001.
gnomAD v4.1: 7 of 1,612,278 alleles (0.00043%); highest among the groups gnomAD compares: African/African-American, 0.004%; no homozygotes.

Submission:

Labcorp Genetics (formerly Invitae), Labcorp
Classification: Uncertain significance for Glycine encephalopathy. Last evaluated: 2024-09-06. Review status: criteria provided, single submitter. Criteria: Invitae Variant Classification Sherloc (09022015). Collection method: clinical testing. Allele origin: germline.
Comment: This sequence change replaces valine, which is neutral and non-polar, with isoleucine, which is neutral and non-polar, at codon 1007 of the GLDC protein (p.Val1007Ile). This variant is not present in population databases (gnomAD no frequency). This variant has not been reported in the literature in individuals affected with GLDC-related conditions. ClinVar contains an entry for this variant (Variation ID: 1052665). Invitae Evidence Modeling of protein sequence and biophysical properties (such as structural, functional, and spatial information, amino acid conservation, physicochemical variation, residue mobility, and thermodynamic stability) indicates that this missense variant is not expected to disrupt GLDC protein function with a negative predictive value of 80%. In summary, the available evidence is currently insufficient to determine the role of this variant in disease. Therefore, it has been classified as a Variant of Uncertain Significance.

NM_000170.3(GLDC):c.3019G>A (p.Val1007Ile)

Gene: GLDC (glycine decarboxylase; minus strand). Cytogenetic location: 9p24.1.
Variant type: single nucleotide variant.
Coding change: c.3019G>A on transcript NM_000170.3 (MANE Select); coding-DNA position 3019, G replaced by A.
Protein change: p.Val1007Ile; replaces valine 1007 with isoleucine.
Molecular consequence: missense variant.
Genome position (GRCh38, 1-based): chr9:6,533,061, C>T on the plus strand (G>A on the coding strand, the complement: GLDC is on the minus strand). VCF-style: chr9-6533061-C-T. GRCh37 (hg19) VCF-style: chr9-6533061-C-T.
Other names: short protein forms V1007I.
Identifiers: ClinVar variation 1052665 (VCV001052665.9), dbSNP rs112299567, ClinGen allele CA188643270.
Genomic context (GRCh38, chr9:6,533,061, plus strand): 5'-ACTTAGGGACAGAGGACTAAGAAGACGCCCTCTTTTGTTCAGAAAATGGAGACTCATAAA[C>T]TTCCATGGGTGGGCAGGTACAAACCAGGTGCTGATCTCCATATATGTCATCAATCCGGGC-3'
Protein context (NP_000161.2, residues 997-1017): HLVCTCPPME[Val1007Ile]YESPFSEQKR